The following is an entry in ClinVar:

NM_021098.3(CACNA1H):c.1120-3dup

Gene: CACNA1H (calcium voltage-gated channel subunit alpha1 H; plus strand). Cytogenetic location: 16p13.3.
Variant type: Duplication.
Coding change: c.1120-3dup on transcript NM_021098.3 (MANE Select); 3 bases into the intron before coding-DNA position 1120, one base duplicated (C; older notation c.1120-3dupC).
Molecular consequence: intron variant.
Genome position (GRCh38, 1-based): chr16:1,200,713, C duplicated; the last of 7 consecutive C bases (chr16:1,200,707-1,200,713); duplicating any one gives the same sequence. VCF-style (leftmost placement, unchanged base first): chr16-1200706-G-GC. GRCh37 (hg19) VCF-style: chr16-1250706-G-GC.
Other names: c.1120-3dup (NM_001005407.2); c.1120-3dupC (NM_021098.2).
Identifiers: ClinVar variation 1165632 (VCV001165632.12), dbSNP rs748730819, ClinGen allele CA7799813.

ClinVar aggregate classification (germline): Benign/Likely benign. Review status: criteria provided, multiple submitters, no conflicts (2 of 4 stars). 3 submissions from 3 submitters: Benign (1); Likely benign (1). 1 of the submissions does not count toward it. Last evaluated 2024-09-19.

Conditions:
CACNA1H-related disorder.
Hyperaldosteronism, familial, type IV (HALD4). Also called: FH IV; ALDOSTERONISM, PRIMARY, AND HYPERTENSION. Identifiers: Orphanet 642671, MedGen C4310756, MONDO:0014875, OMIM 617027.
Idiopathic generalized epilepsy. Also called: Generalised epilepsy; EIG. Identifiers: MedGen C0270850, MONDO:0005579, OMIM 600669.

Submissions (3):

Blueprint Genetics
Classification: Likely benign. Last evaluated: 2024-09-19. Review status: criteria provided, single submitter. Criteria: ACMG Guidelines, 2015. Collection method: clinical testing. Allele origin: germline.

Labcorp Genetics (formerly Invitae), Labcorp
Classification: Benign for Idiopathic generalized epilepsy; Hyperaldosteronism, familial, type IV. Last evaluated: 2024-01-01. Review status: criteria provided, single submitter. Criteria: Invitae Variant Classification Sherloc (09022015). Collection method: clinical testing. Allele origin: germline.

PreventionGenetics, part of Exact Sciences
Classification: Likely benign for CACNA1H-related condition. Last evaluated: 2021-07-25. Review status: no assertion criteria provided. Collection method: clinical testing. Allele origin: germline. Not counted in ClinVar's aggregate classification.
Comment: This variant is classified as likely benign based on ACMG/AMP sequence variant interpretation guidelines (Richards et al. 2015 PMID: 25741868, with internal and published modifications).